The following is an entry in ClinVar:

ClinVar aggregate classification (germline): Uncertain significance (1 of 4 stars; one submission).

gnomAD v4.1: 5 of 1,603,144 alleles (0.00031%); highest among the groups gnomAD compares: Non-Finnish European, 0.00034%; no homozygotes.

Submission:

Labcorp Genetics (formerly Invitae), Labcorp
Classification: Uncertain significance. Last evaluated: 2022-11-10. Review status: criteria provided, single submitter. Criteria: Invitae Variant Classification Sherloc (09022015). Collection method: clinical testing. Allele origin: germline.
Comment: This sequence change replaces valine, which is neutral and non-polar, with glycine, which is neutral and non-polar, at codon 730 of the ITGAM protein (p.Val730Gly). This variant is not present in population databases (gnomAD no frequency). This variant has not been reported in the literature in individuals affected with ITGAM-related conditions. Algorithms developed to predict the effect of missense changes on protein structure and function are either unavailable or do not agree on the potential impact of this missense change (SIFT: "Deleterious"; PolyPhen-2: "Benign"; Align-GVGD: "Class C0"). In summary, the available evidence is currently insufficient to determine the role of this variant in disease. Therefore, it has been classified as a Variant of Uncertain Significance.

NM_000632.4(ITGAM):c.2189T>G (p.Val730Gly)

Gene: ITGAM (integrin subunit alpha M; plus strand). Cytogenetic location: 16p11.2.
Variant type: single nucleotide variant.
Coding change: c.2189T>G on transcript NM_000632.4 (MANE Select); coding-DNA position 2189, T replaced by G.
Protein change: p.Val730Gly; replaces valine 730 with glycine.
Molecular consequence: missense variant.
Genome position (GRCh38, 1-based): chr16:31,324,682, T>G. VCF-style: chr16-31324682-T-G. GRCh37 (hg19) VCF-style: chr16-31336003-T-G.
Other names: c.2192T>G, p.Val731Gly (NM_001145808.2); short protein forms V730G, V731G.
Identifiers: ClinVar variation 2807103 (VCV002807103.3), dbSNP rs2544495548, ClinGen allele CA395688330.